The following is an entry in ClinVar:

ClinVar aggregate classification (germline): Uncertain significance. Review status: criteria provided, multiple submitters, no conflicts (2 of 4 stars). 3 submissions from 3 submitters: Uncertain significance (3). Last evaluated 2023-12-15.

Conditions:
Primary ciliary dyskinesia. Also called: Ciliary dyskinesia. Identifiers: Orphanet 244, MedGen C0008780, MONDO:0016575, HP:0012265.

Allele frequency attached by ClinVar (database versions not stated): TOPMed 0.00004; gnomAD 0.00001.
gnomAD v4.1: 5 of 1,612,042 alleles (0.00031%); highest among the groups gnomAD compares: Admixed American, 0.005%; no homozygotes.

Submissions (3):

Ambry Genetics
Classification: Uncertain significance. Last evaluated: 2023-12-15. Review status: criteria provided, single submitter. Criteria: Ambry Variant Classification Scheme 2023. Collection method: clinical testing. Allele origin: germline.

Molecular Genetics McLendon Clinical Laboratories, University of North Carolina at Chapel Hill
Classification: Uncertain significance for Primary ciliary dyskinesia. Last evaluated: 2023-01-26. Review status: criteria provided, single submitter. Criteria: ACMG Guidelines, 2015. Collection method: clinical testing. Allele origin: germline.

Labcorp Genetics (formerly Invitae), Labcorp
Classification: Uncertain significance for Primary ciliary dyskinesia. Last evaluated: 2022-09-06. Review status: criteria provided, single submitter. Criteria: Invitae Variant Classification Sherloc (09022015). Collection method: clinical testing. Allele origin: germline.
Comment: Algorithms developed to predict the effect of missense changes on protein structure and function are either unavailable or do not agree on the potential impact of this missense change (SIFT: "Deleterious"; PolyPhen-2: "Not Available"; Align-GVGD: "Class C65"). In summary, the available evidence is currently insufficient to determine the role of this variant in disease. Therefore, it has been classified as a Variant of Uncertain Significance. ClinVar contains an entry for this variant (Variation ID: 662488). This variant has not been reported in the literature in individuals affected with DNAH8-related conditions. This variant is not present in population databases (gnomAD no frequency). This sequence change replaces proline, which is neutral and non-polar, with arginine, which is basic and polar, at codon 3145 of the DNAH8 protein (p.Pro3145Arg).

NM_001206927.2(DNAH8):c.9434C>G (p.Pro3145Arg)

Genes: DNAH8 (dynein axonemal heavy chain 8; plus strand), DNAH8-AS1 (DNAH8 antisense RNA 1; minus strand). Cytogenetic location: 6p21.2.
Variant type: single nucleotide variant.
Coding change: c.9434C>G on transcript NM_001206927.2 (MANE Select); coding-DNA position 9434, C replaced by G.
Protein change: p.Pro3145Arg; replaces proline 3145 with arginine.
Molecular consequence: missense variant.
Genome position (GRCh38, 1-based): chr6:38,908,041, C>G. VCF-style: chr6-38908041-C-G. GRCh37 (hg19) VCF-style: chr6-38875817-C-G.
Other names: c.8783C>G, p.Pro2928Arg (NM_001371.4); short protein forms P2928R, P3145R.
Identifiers: ClinVar variation 662488 (VCV000662488.12), dbSNP rs747278340, ClinGen allele CA364001771.